The following is an entry in ClinVar:

ClinVar aggregate classification (germline): Likely pathogenic (1 of 4 stars; one submission).

gnomAD v4.1: 8 of 1,613,916 alleles (0.0005%); highest among the groups gnomAD compares: African/African-American, 0.0013%; no homozygotes.

Submission:

Labcorp Genetics (formerly Invitae), Labcorp
Classification: Likely pathogenic. Last evaluated: 2025-07-22. Review status: criteria provided, single submitter. Criteria: Invitae Variant Classification Sherloc (09022015). Collection method: clinical testing. Allele origin: germline.
Comment: This sequence change affects an acceptor splice site in intron 15 of the ARMC9 gene. It is expected to disrupt RNA splicing. Variants that disrupt the donor or acceptor splice site typically lead to a loss of protein function (PMID: 16199547), and loss-of-function variants in ARMC9 are known to be pathogenic (PMID: 28625504). This variant is present in population databases (rs764213933, gnomAD 0.007%). This variant has not been reported in the literature in individuals affected with ARMC9-related conditions. Algorithms developed to predict the effect of sequence changes on RNA splicing suggest that this variant may disrupt the consensus splice site. In summary, the currently available evidence indicates that the variant is pathogenic, but additional data are needed to prove that conclusively. Therefore, this variant has been classified as Likely Pathogenic.

Literature cited by the submitters: PubMed 16199547; PubMed 28625504.

NM_001352754.2(ARMC9):c.1552-1G>T

Gene: ARMC9 (armadillo repeat containing 9; plus strand). Cytogenetic location: 2q37.1.
Variant type: single nucleotide variant.
Coding change: c.1552-1G>T on transcript NM_001352754.2 (MANE Select); the canonical splice acceptor site of the intron before coding-DNA position 1552, G replaced by T.
Molecular consequence: splice acceptor variant.
Genome position (GRCh38, 1-based): chr2:231,282,058, G>T. VCF-style: chr2-231282058-G-T. GRCh37 (hg19) VCF-style: chr2-232146771-G-T.
Other names: c.1552-1G>T (NM_001271466.4, NM_001352755.2, NM_001352756.2 and 3 more transcripts); c.1453-1G>T (NM_001352757.2, NM_001352758.2).
Identifiers: ClinVar variation 4781191 (VCV004781191.1).